The following is an entry in ClinVar:

ClinVar aggregate classification (germline): Uncertain significance. Review status: criteria provided, multiple submitters, no conflicts (2 of 4 stars). 3 submissions from 3 submitters: Uncertain significance (3). Last evaluated 2025-11-06.

Conditions:
MORM syndrome (MORMS). Identifiers: Orphanet 75858, MedGen C1857802, MONDO:0012423, OMIM 610156.
Joubert syndrome 1 (JBTS1). Also called: Cerebellooculorenal syndrome 1; CEREBELLOPARENCHYMAL DISORDER IV. Identifiers: MedGen C4551568, MONDO:0008944, OMIM 213300.
Inborn genetic diseases. Identifiers: MedGen C0950123, MeSH D030342.
Joubert syndrome. Also called: Familial aplasia of the vermis; JOUBERT-BOLTSHAUSER SYNDROME. Identifiers: Orphanet 475, MedGen C5979921, MONDO:0018772.

Allele frequency attached by ClinVar (database versions not stated): gnomAD 0.00001; gnomAD exomes 0.00004; ExAC 0.00013.
gnomAD v4.1: 47 of 1,576,718 alleles (0.003%); highest among the groups gnomAD compares: South Asian, 0.029%; 1 homozygote.

Submissions (3):

Ambry Genetics
Classification: Uncertain significance for Inborn genetic diseases. Last evaluated: 2025-11-06. Review status: criteria provided, single submitter. Criteria: Ambry Variant Classification Scheme 2023. Collection method: clinical testing. Allele origin: germline.

Department of Pathology and Laboratory Medicine, Sinai Health System
Classification: Uncertain significance for Joubert syndrome 1; MORM syndrome. Last evaluated: 2022-06-15. Review status: criteria provided, single submitter. Criteria: ACMG Guidelines, 2015. Collection method: research. Allele origin: germline.

Labcorp Genetics (formerly Invitae), Labcorp
Classification: Uncertain significance for Joubert syndrome. Last evaluated: 2021-06-22. Review status: criteria provided, single submitter. Criteria: Invitae Variant Classification Sherloc (09022015). Collection method: clinical testing. Allele origin: germline.
Comment: This sequence change replaces proline with serine at codon 111 of the INPP5E protein (p.Pro111Ser). The proline residue is weakly conserved and there is a moderate physicochemical difference between proline and serine. This variant is present in population databases (rs766472975, ExAC 0.04%). This variant has not been reported in the literature in individuals with INPP5E-related conditions. Advanced modeling of protein sequence and biophysical properties (such as structural, functional, and spatial information, amino acid conservation, physicochemical variation, residue mobility, and thermodynamic stability) performed at Invitae indicates that this missense variant is not expected to disrupt INPP5E protein function. In summary, the available evidence is currently insufficient to determine the role of this variant in disease. Therefore, it has been classified as a Variant of Uncertain Significance.

NM_019892.6(INPP5E):c.331C>T (p.Pro111Ser)

Gene: INPP5E (inositol polyphosphate-5-phosphatase E; minus strand). Cytogenetic location: 9q34.3.
Variant type: single nucleotide variant.
Coding change: c.331C>T on transcript NM_019892.6 (MANE Select); coding-DNA position 331, C replaced by T.
Protein change: p.Pro111Ser; replaces proline 111 with serine.
Molecular consequence: missense variant.
Genome position (GRCh38, 1-based): chr9:136,439,089, G>A on the plus strand (C>T on the coding strand, the complement: INPP5E is on the minus strand). VCF-style: chr9-136439089-G-A. GRCh37 (hg19) VCF-style: chr9-139333541-G-A.
Other names: c.331C>T, p.Pro111Ser (NM_001318502.2); c.331C>T (NM_019892.4); short protein forms P111S.
Identifiers: ClinVar variation 1430940 (VCV001430940.8), dbSNP rs766472975, ClinGen allele CA5337174.
Genomic context (GRCh38, chr9:136,439,089, plus strand): 5'-GCGGGGAGCAGCTGTGGGCGGGGGCCCCGGGGCCCTCGCTCTGCACTGAGCCCCTGGAGG[G>A]ACTGGTCCCATTCCGGGCTTCCAGGTCCTCCTGGCTGCCTCGAAAACGCCTCCTCCTCCA-3'
Protein context (NP_063945.2, residues 101-121): EDLEARNGTS[Pro111Ser]SRGSVQSEGP